The following is an entry in ClinVar:

NM_000081.4(LYST):c.6614A>C (p.Lys2205Thr)

Gene: LYST (lysosomal trafficking regulator; minus strand). Cytogenetic location: 1q42.3.
Variant type: single nucleotide variant.
Coding change: c.6614A>C on transcript NM_000081.4 (MANE Select); coding-DNA position 6614, A replaced by C.
Protein change: p.Lys2205Thr; replaces lysine 2205 with threonine.
Molecular consequence: missense variant.
Genome position (GRCh38, 1-based): chr1:235,759,239, T>G on the plus strand (A>C on the coding strand, the complement: LYST is on the minus strand). VCF-style: chr1-235759239-T-G. GRCh37 (hg19) VCF-style: chr1-235922539-T-G.
Other names: c.6614A>C, p.Lys2205Thr (NM_001301365.1); short protein forms K2205T.
Identifiers: ClinVar variation 1356142 (VCV001356142.3), dbSNP rs1333531818, ClinGen allele CA344940364.

ClinVar aggregate classification (germline): Uncertain significance (1 of 4 stars; one submission).

Conditions:
Chédiak-Higashi syndrome (CHS). Also called: Chediak-Higashi Syndrome. Identifiers: Orphanet 167, MedGen C0007965, MONDO:0008963, OMIM 214500.

Allele frequency attached by ClinVar (database versions not stated): TOPMed below 0.00001.
gnomAD v4.1: 1 of 1,614,192 alleles (0.000062%); no homozygotes.

Submission:

Labcorp Genetics (formerly Invitae), Labcorp
Classification: Uncertain significance for Chédiak-Higashi syndrome. Last evaluated: 2021-11-11. Review status: criteria provided, single submitter. Criteria: Invitae Variant Classification Sherloc (09022015). Collection method: clinical testing. Allele origin: germline.
Comment: This sequence change replaces lysine, which is basic and polar, with threonine, which is neutral and polar, at codon 2205 of the LYST protein (p.Lys2205Thr). This variant is present in population databases (no rsID available, gnomAD 0.0009%). This variant has not been reported in the literature in individuals affected with LYST-related conditions. Algorithms developed to predict the effect of missense changes on protein structure and function are either unavailable or do not agree on the potential impact of this missense change (SIFT: "Tolerated"; PolyPhen-2: "Probably Damaging"; Align-GVGD: "Class C0"). In summary, the available evidence is currently insufficient to determine the role of this variant in disease. Therefore, it has been classified as a Variant of Uncertain Significance.